The following is an entry in ClinVar:

ClinVar aggregate classification (germline): Uncertain significance. Review status: criteria provided, multiple submitters, no conflicts (2 of 4 stars). 2 submissions from 2 submitters: Uncertain significance (2). Last evaluated 2024-12-17.

Allele frequency attached by ClinVar (database versions not stated): gnomAD exomes 0.00001 and 0.00005; gnomAD 0.00002 and 0.00003; TOPMed 0.00006.
gnomAD v4.1: 75 of 1,613,734 alleles (0.0046%); highest among the groups gnomAD compares: African/African-American, 0.0067%; no homozygotes.

Submissions (2):

Labcorp Genetics (formerly Invitae), Labcorp
Classification: Uncertain significance. Last evaluated: 2024-12-17. Review status: criteria provided, single submitter. Criteria: Invitae Variant Classification Sherloc (09022015). Collection method: clinical testing. Allele origin: germline.
Comment: This sequence change replaces threonine, which is neutral and polar, with methionine, which is neutral and non-polar, at codon 145 of the PALM protein (p.Thr145Met). This variant is present in population databases (no rsID available, gnomAD 0.004%). This variant has not been reported in the literature in individuals affected with PALM-related conditions. ClinVar contains an entry for this variant (Variation ID: 1504927). An algorithm developed to predict the effect of missense changes on protein structure and function (PolyPhen-2) suggests that this variant is likely to be disruptive. In summary, the available evidence is currently insufficient to determine the role of this variant in disease. Therefore, it has been classified as a Variant of Uncertain Significance.

Ambry Genetics
Classification: Uncertain significance. Last evaluated: 2023-08-10. Review status: criteria provided, single submitter. Criteria: Ambry Variant Classification Scheme 2023. Collection method: clinical testing. Allele origin: germline.

NM_002579.3(PALM):c.434C>T (p.Thr145Met)

Gene: PALM (paralemmin; plus strand). Cytogenetic location: 19p13.3.
Variant type: single nucleotide variant.
Coding change: c.434C>T on transcript NM_002579.3 (MANE Select); coding-DNA position 434, C replaced by T.
Protein change: p.Thr145Met; replaces threonine 145 with methionine.
Molecular consequence: missense variant.
Genome position (GRCh38, 1-based): chr19:734,186, C>T. VCF-style: chr19-734186-C-T. GRCh37 (hg19) VCF-style: chr19-734186-C-T.
Other names: c.434C>T, p.Thr145Met (NM_001040134.2); c.434C>T (NM_002579.2); short protein forms T145M.
Identifiers: ClinVar variation 1504927 (VCV001504927.7), dbSNP rs907706996, ClinGen allele CA303939510.
Genomic context (GRCh38, chr19:734,186, plus strand): 5'-TCCCGGGGATGCTGACGCCCCTGACCCTTCTCTCTTCTTTCTTGCAGACGCCGGTGGGCA[C>T]GCCCAAAGGTAGGACCTCTGGAAGGAACTCGTGGGGCCTCGGCGCACTCTGGTGGCCAGA-3'
Protein context (NP_002570.2, residues 135-155): VMNSQQTPVG[Thr145Met]PKDKRVSNTP